The following is an entry in ClinVar:

NM_007209.4(RPL35):c.223-7C>T

Gene: RPL35 (ribosomal protein L35; minus strand). Cytogenetic location: 9q33.3.
Variant type: single nucleotide variant.
Coding change: c.223-7C>T on transcript NM_007209.4 (MANE Select); 7 bases into the intron before coding-DNA position 223, C replaced by T.
Molecular consequence: intron variant.
Genome position (GRCh38, 1-based): chr9:124,858,074, G>A on the plus strand (C>T on the coding strand, the complement: RPL35 is on the minus strand). VCF-style: chr9-124858074-G-A. GRCh37 (hg19) VCF-style: chr9-127620353-G-A.
Other names: c.223-7C>T (NM_007209.3).
Identifiers: ClinVar variation 2968669 (VCV002968669.4), dbSNP rs748065858, ClinGen allele CA5237203.

ClinVar aggregate classification (germline): Likely benign. Review status: criteria provided, multiple submitters, no conflicts (2 of 4 stars). 2 submissions from 2 submitters: Likely benign (2). Last evaluated 2025-07-24.

Conditions:
RPL35-related disorder. Also called: RPL35-related condition.

Allele frequency attached by ClinVar (database versions not stated): gnomAD 0.00002; TOPMed 0.00002; ExAC 0.00003; gnomAD exomes 0.00004.
gnomAD v4.1: 52 of 1,611,556 alleles (0.0032%); highest among the groups gnomAD compares: Non-Finnish European, 0.0043%; no homozygotes.

Submissions (2):

PreventionGenetics, part of Exact Sciences
Classification: Likely benign for RPL35-related condition. Last evaluated: 2025-07-24. Review status: criteria provided, single submitter. Criteria: ACMG Guidelines, 2015. Collection method: clinical testing. Allele origin: germline.
Comment: This variant is classified as likely benign based on ACMG/AMP sequence variant interpretation guidelines (Richards et al. 2015 PMID: 25741868, with internal and published modifications).

Labcorp Genetics (formerly Invitae), Labcorp
Classification: Likely benign. Last evaluated: 2025-06-05. Review status: criteria provided, single submitter. Criteria: Invitae Variant Classification Sherloc (09022015). Collection method: clinical testing. Allele origin: germline.